The following is an entry in ClinVar:

ClinVar aggregate classification (germline): Likely benign (1 of 4 stars; one submission).

gnomAD v4.1: 2 of 1,614,124 alleles (0.00012%); highest among the groups gnomAD compares: Non-Finnish European, 0.00017%; no homozygotes.

Submission:

CeGaT Center for Human Genetics Tuebingen
Classification: Likely benign. Last evaluated: 2023-02-01. Review status: criteria provided, single submitter. Criteria: CeGaT Center For Human Genetics Tuebingen Variant Classification Criteria Version 2. Collection method: clinical testing. Allele origin: germline. Affected: yes. Observed: 1 variant allele.
Comment: SNAP29: PM2:Supporting, BP4, BP7

NM_004782.4(SNAP29):c.375C>A (p.Ser125=)

Gene: SNAP29 (synaptosome associated protein 29; plus strand). Cytogenetic location: 22q11.21.
Variant type: single nucleotide variant.
Coding change: c.375C>A on transcript NM_004782.4 (MANE Select); coding-DNA position 375, C replaced by A.
Protein change: p.Ser125=; no amino-acid change (serine 125 retained).
Molecular consequence: synonymous variant.
Genome position (GRCh38, 1-based): chr22:20,870,474, C>A. VCF-style: chr22-20870474-C-A. GRCh37 (hg19) VCF-style: chr22-21224762-C-A.
Identifiers: ClinVar variation 2652922 (VCV002652922.24), dbSNP rs1053634851, ClinGen allele CA513461647.
Genomic context (GRCh38, chr22:20,870,474, plus strand): 5'-CCAGAAACACATCAATAGCATTAAGAGCGTGTTTGGGGGGCTGGTCAATTACTTCAAATC[C>A]AAACCAGTAGAGACCCCACCTGAACAGAATGGCACCCTCACCTCCCAGCCCAACAACAGG-3'
Protein context (NP_004773.1, residues 115-135): VFGGLVNYFK[Ser125=]KPVETPPEQN